The following is an entry in ClinVar:

NM_001372.4(DNAH9):c.7585G>A (p.Gly2529Ser)

Gene: DNAH9 (dynein axonemal heavy chain 9; plus strand). Cytogenetic location: 17p12.
Variant type: single nucleotide variant.
Coding change: c.7585G>A on transcript NM_001372.4 (MANE Select); coding-DNA position 7585, G replaced by A.
Protein change: p.Gly2529Ser; replaces glycine 2529 with serine.
Molecular consequence: missense variant.
Genome position (GRCh38, 1-based): chr17:11,781,041, G>A. VCF-style: chr17-11781041-G-A. GRCh37 (hg19) VCF-style: chr17-11684358-G-A.
Other names: short protein forms G2529S.
Identifiers: ClinVar variation 1961446 (VCV001961446.5), dbSNP rs763887946, ClinGen allele CA8396660.

ClinVar aggregate classification (germline): Uncertain significance (1 of 4 stars; one submission).

Allele frequency attached by ClinVar (database versions not stated): TOPMed 0.00002; gnomAD 0.00003; ExAC 0.00005.
gnomAD v4.1: 21 of 1,613,982 alleles (0.0013%); highest among the groups gnomAD compares: Admixed American, 0.0017%; no homozygotes.

Submission:

Labcorp Genetics (formerly Invitae), Labcorp
Classification: Uncertain significance. Last evaluated: 2022-09-02. Review status: criteria provided, single submitter. Criteria: Invitae Variant Classification Sherloc (09022015). Collection method: clinical testing. Allele origin: germline.
Comment: Algorithms developed to predict the effect of missense changes on protein structure and function are either unavailable or do not agree on the potential impact of this missense change (SIFT: "Tolerated"; PolyPhen-2: "Probably Damaging"; Align-GVGD: "Class C0"). This variant has not been reported in the literature in individuals affected with DNAH9-related conditions. This variant is present in population databases (rs763887946, gnomAD 0.006%). This sequence change replaces glycine, which is neutral and non-polar, with serine, which is neutral and polar, at codon 2529 of the DNAH9 protein (p.Gly2529Ser). In summary, the available evidence is currently insufficient to determine the role of this variant in disease. Therefore, it has been classified as a Variant of Uncertain Significance.